The following is an entry in ClinVar:

NM_002972.4(SBF1):c.3611C>T (p.Ala1204Val)

Gene: SBF1 (SET binding factor 1; minus strand). Cytogenetic location: 22q13.33.
Variant type: single nucleotide variant.
Coding change: c.3611C>T on transcript NM_002972.4 (MANE Select); coding-DNA position 3611, C replaced by T.
Protein change: p.Ala1204Val; replaces alanine 1204 with valine.
Molecular consequence: missense variant.
Genome position (GRCh38, 1-based): chr22:50,459,547, G>A on the plus strand (C>T on the coding strand, the complement: SBF1 is on the minus strand). VCF-style: chr22-50459547-G-A. GRCh37 (hg19) VCF-style: chr22-50897976-G-A.
Other names: c.3614C>T, p.Ala1205Val (NM_001365819.1); short protein forms A1204V, A1205V.
Identifiers: ClinVar variation 1520633 (VCV001520633.9), dbSNP rs773094340, ClinGen allele CA10316642.

ClinVar aggregate classification (germline): Uncertain significance. Review status: criteria provided, multiple submitters, no conflicts (2 of 4 stars). 3 submissions from 3 submitters: Uncertain significance (3). Last evaluated 2026-02-15.

Allele frequency attached by ClinVar (database versions not stated): ExAC 0.00002; TOPMed 0.00004; gnomAD 0.00005 and 0.00004; gnomAD exomes 0.00006 and 0.00003.

Submissions (3):

GeneDx
Classification: Uncertain significance. Last evaluated: 2026-02-15. Review status: criteria provided, single submitter. Criteria: GeneDx Variant Classification Process June 2021. Collection method: clinical testing. Allele origin: germline. Affected: yes.
Comment: Not observed at significant frequency in large population cohorts (gnomAD); In silico analysis supports that this missense variant has a deleterious effect on protein structure/function; Has not been previously published as pathogenic or benign to our knowledge

Ambry Genetics
Classification: Uncertain significance. Last evaluated: 2024-12-03. Review status: criteria provided, single submitter. Criteria: Ambry Variant Classification Scheme 2023. Collection method: clinical testing. Allele origin: germline.

Labcorp Genetics (formerly Invitae), Labcorp
Classification: Uncertain significance. Last evaluated: 2024-05-15. Review status: criteria provided, single submitter. Criteria: Invitae Variant Classification Sherloc (09022015). Collection method: clinical testing. Allele origin: germline.
Comment: This sequence change replaces alanine, which is neutral and non-polar, with valine, which is neutral and non-polar, at codon 1204 of the SBF1 protein (p.Ala1204Val). This variant is present in population databases (rs773094340, gnomAD 0.006%). This variant has not been reported in the literature in individuals affected with SBF1-related conditions. ClinVar contains an entry for this variant (Variation ID: 1520633). Advanced modeling of protein sequence and biophysical properties (such as structural, functional, and spatial information, amino acid conservation, physicochemical variation, residue mobility, and thermodynamic stability) has been performed at Invitae for this missense variant, however the output from this modeling did not meet the statistical confidence thresholds required to predict the impact of this variant on SBF1 protein function. In summary, the available evidence is currently insufficient to determine the role of this variant in disease. Therefore, it has been classified as a Variant of Uncertain Significance.